The following is an entry in ClinVar:

NC_000008.11:g.85735328A>C

Variant type: single nucleotide variant.
Genome position: GRCh38 VCF-style: chr8-85735328-A-C. GRCh37 (hg19) VCF-style: chr8-86747557-A-C.
Identifiers: ClinVar variation 4085461 (VCV004085461.8).

ClinVar aggregate classification (germline): Likely benign (1 of 4 stars; one submission).

Submission:

CeGaT Center for Human Genetics Tuebingen
Classification: Likely benign. Last evaluated: 2025-07-01. Review status: criteria provided, single submitter. Criteria: CeGaT Center For Human Genetics Tuebingen Variant Classification Criteria Version 2. Collection method: clinical testing. Allele origin: germline. Affected: yes. Observed: 1 variant allele.
Comment: REXO1L11P: BP4, BP7